The following is an entry in ClinVar:

NM_153240.5(NPHP3):c.1351-6G>A

Genes: NPHP3 (nephrocystin 3; minus strand), NPHP3-ACAD11 (NPHP3-ACAD11 readthrough (NMD candidate); minus strand). Cytogenetic location: 3q22.1.
Variant type: single nucleotide variant.
Coding change: c.1351-6G>A on transcript NM_153240.5 (MANE Select); 6 bases into the intron before coding-DNA position 1351, G replaced by A.
Molecular consequence: intron variant.
Genome position (GRCh38, 1-based): chr3:132,704,377, C>T on the plus strand (G>A on the coding strand, the complement: NPHP3 is on the minus strand). VCF-style: chr3-132704377-C-T. GRCh37 (hg19) VCF-style: chr3-132423221-C-T.
Other names: c.1351-6G>A (NM_153240.4).
Identifiers: ClinVar variation 1579771 (VCV001579771.9), dbSNP rs758073939, ClinGen allele CA2622318.

ClinVar aggregate classification (germline): Likely benign. Review status: criteria provided, multiple submitters, no conflicts (2 of 4 stars). 2 submissions from 2 submitters: Likely benign (2). Last evaluated 2026-09-23.

Conditions:
Nephronophthisis. Also called: Juvenile Nephronophthisis. Identifiers: Orphanet 655, MedGen C0687120, MONDO:0019005, HP:0000090.
NPHP3-related disorder. Also called: NPHP3-related condition; NPHP3-related disorders. Identifiers: MedGen CN379163.

Allele frequency attached by ClinVar (database versions not stated): ExAC 0.00001; gnomAD 0.00001; TOPMed 0.00001; gnomAD exomes 0.00002.

Submissions (2):

PreventionGenetics, part of Exact Sciences
Classification: Likely benign for NPHP3-related condition. Last evaluated: 2026-09-23. Review status: criteria provided, single submitter. Criteria: ACMG Guidelines, 2015. Collection method: clinical testing. Allele origin: germline.
Comment: This variant is classified as likely benign based on ACMG/AMP sequence variant interpretation guidelines (Richards et al. 2015 PMID: 25741868, with internal and published modifications).

Labcorp Genetics (formerly Invitae), Labcorp
Classification: Likely benign for Nephronophthisis. Last evaluated: 2022-07-18. Review status: criteria provided, single submitter. Criteria: Invitae Variant Classification Sherloc (09022015). Collection method: clinical testing. Allele origin: germline.